The following is an entry in ClinVar:

NM_000245.4(MET):c.1427A>T (p.His476Leu)

Gene: MET (MET proto-oncogene, receptor tyrosine kinase; plus strand). Cytogenetic location: 7q31.2.
Variant type: single nucleotide variant.
Coding change: c.1427A>T on transcript NM_000245.4 (MANE Select); coding-DNA position 1427, A replaced by T.
Protein change: p.His476Leu; replaces histidine 476 with leucine.
Molecular consequence: missense variant.
Genome position (GRCh38, 1-based): chr7:116,739,984, A>T. VCF-style: chr7-116739984-A-T. GRCh37 (hg19) VCF-style: chr7-116380038-A-T.
Other names: c.1427A>T, p.His476Leu (NM_001127500.3, NM_001324401.3); c.137A>T, p.His46Leu (NM_001324402.2); short protein forms H46L, H476L.
Identifiers: ClinVar variation 2676517 (VCV002676517.2), dbSNP rs2485637914, ClinGen allele CA368974070.
Genomic context (GRCh38, chr7:116,739,984, plus strand): 5'-GATGTTATAACTTTTTTGCTGTTTAGGTTGTGGTTTCTCGATCAGGACCATCAACCCCTC[A>T]TGTGAATTTTCTCCTGGACTCCCATCCAGTGTCTCCAGAAGTGATTGTGGAGCATACATT-3'
Protein context (NP_000236.2, residues 466-486): VVSRSGPSTP[His476Leu]VNFLLDSHPV

ClinVar aggregate classification (germline): Uncertain significance. Review status: criteria provided, multiple submitters, no conflicts (2 of 4 stars). 2 submissions from 2 submitters: Uncertain significance (2). Last evaluated 2023-11-24.

Conditions:
Autosomal recessive nonsyndromic hearing loss 97. Also called: Deafness, autosomal recessive 97. Identifiers: Orphanet 90636, MedGen C4084709, MONDO:0014739, OMIM 616705.
Hereditary cancer-predisposing syndrome. Also called: Neoplastic Syndromes, Hereditary; Tumor predisposition; Hereditary Cancer Syndrome; Hereditary neoplastic syndrome. Identifiers: Orphanet 140162, MedGen C0027672, MeSH D009386, MONDO:0015356.

Submissions (2):

Ambry Genetics
Classification: Uncertain significance for Hereditary cancer-predisposing syndrome. Last evaluated: 2023-11-24. Review status: criteria provided, single submitter. Criteria: Ambry Variant Classification Scheme 2023. Collection method: clinical testing. Allele origin: germline.
Comment: The p.H476L variant (also known as c.1427A>T), located in coding exon 3 of the MET gene, results from an A to T substitution at nucleotide position 1427. The histidine at codon 476 is replaced by leucine, an amino acid with similar properties. This amino acid position is conserved. In addition, the in silico prediction for this alteration is inconclusive. Since supporting evidence is limited at this time, the clinical significance of this alteration remains unclear.

Baylor Genetics
Classification: Uncertain significance for Autosomal recessive nonsyndromic hearing loss 97. Last evaluated: 2023-09-27. Review status: criteria provided, single submitter. Criteria: ACMG Guidelines, 2015. Collection method: clinical testing. Allele origin: unknown.